The following is an entry in ClinVar:

NM_133259.4(LRPPRC):c.3826-16_3826-14dup

Gene: LRPPRC (leucine rich pentatricopeptide repeat containing; minus strand). Cytogenetic location: 2p21.
Variant type: Duplication.
Coding change: c.3826-16_3826-14dup on transcript NM_133259.4 (MANE Select); 16 bases into the intron before coding-DNA position 3826 through 14 bases into the intron before coding-DNA position 3826, 3 bases duplicated (ATG; older notation c.3826-16_3826-14dupATG).
Molecular consequence: intron variant.
Genome position (GRCh38, 1-based): chr2:43,896,722-43,896,724, CAT duplicated on the plus strand (ATG on the coding strand, the reverse complement: LRPPRC is on the minus strand). VCF-style (leftmost placement, unchanged base first): chr2-43896721-A-ACAT. GRCh37 (hg19) VCF-style: chr2-44123860-A-ACAT.
Other names: c.3826-16_3826-14dupATG (NM_133259.3).
Identifiers: ClinVar variation 511195 (VCV000511195.1), dbSNP rs1553390388, ClinGen allele CA658795717.
Genomic context (GRCh38, chr2:43,896,721, plus strand): 5'-GAGGAACAACAACAAAATCGGGGTTTGTTCAGCAATTGCACCACATCTCTAAAAATTAAA[A>ACAT]CATTATTCAGTAAGTGAAGGTTTCTGATAAACAAGTGGATCAAACTGAATATTTCCAATT-3'

ClinVar aggregate classification (germline): Likely benign (1 of 4 stars; one submission).

Submission:

GeneDx
Classification: Likely benign. Last evaluated: 2017-08-16. Review status: criteria provided, single submitter. Criteria: GeneDx Variant Classification (06012015). Collection method: clinical testing. Allele origin: germline. Affected: yes.
Comment: This variant is considered likely benign or benign based on one or more of the following criteria: it is a conservative change, it occurs at a poorly conserved position in the protein, it is predicted to be benign by multiple in silico algorithms, and/or has population frequency not consistent with disease.